The following is an entry in ClinVar:

ClinVar aggregate classification (germline): Uncertain significance. Review status: criteria provided, multiple submitters, no conflicts (2 of 4 stars). 2 submissions from 2 submitters: Uncertain significance (2). Last evaluated 2026-06-23.

Conditions:
RP1L1-related disorder. Also called: RP1L1-related condition.

Submissions (2):

PreventionGenetics, part of Exact Sciences
Classification: Uncertain significance for RP1L1-related condition. Last evaluated: 2026-06-23. Review status: criteria provided, single submitter. Criteria: ACMG Guidelines, 2015. Collection method: clinical testing. Allele origin: germline.
Comment: The RP1L1 c.4411T>G variant is predicted to result in the amino acid substitution p.Ser1471Ala. To our knowledge, this variant has not been reported in the literature. This variant is reported in 0.0% of alleles in individuals of African descent in gnomAD. At this time, the clinical significance of this variant is uncertain due to the absence of conclusive functional and genetic evidence.

Blueprint Genetics
Classification: Uncertain significance. Last evaluated: 2024-08-06. Review status: criteria provided, single submitter. Criteria: ACMG Guidelines, 2015. Collection method: clinical testing. Allele origin: germline.

NM_178857.6(RP1L1):c.4411T>G (p.Ser1471Ala)

Gene: RP1L1 (RP1 like 1). Cytogenetic location: 8p23.1.
Variant type: single nucleotide variant.
Coding change: c.4411T>G on transcript NM_178857.6 (MANE Select); coding-DNA position 4411, T replaced by G.
Protein change: p.Ser1471Ala; replaces serine 1471 with alanine.
Molecular consequence: missense variant.
Genome position (GRCh38, 1-based): chr8:10,609,687, A>C on the plus strand (T>G on the coding strand, the complement: RP1L1 is on the minus strand). VCF-style: chr8-10609687-A-C. GRCh37 (hg19) VCF-style: chr8-10467197-A-C.
Other names: c.4411T>G (NM_178857.5); short protein forms S1471A.
Identifiers: ClinVar variation 4899067 (VCV004899067.2).